The following is an entry in ClinVar:

NM_001378414.1(HDAC4):c.3173C>A (p.Ala1058Asp)

Gene: HDAC4 (histone deacetylase 4; minus strand). Cytogenetic location: 2q37.3.
Variant type: single nucleotide variant.
Coding change: c.3173C>A on transcript NM_001378414.1 (MANE Select); coding-DNA position 3173, C replaced by A.
Protein change: p.Ala1058Asp; replaces alanine 1058 with aspartic acid.
Molecular consequence: missense variant.
Genome position (GRCh38, 1-based): chr2:239,053,517, G>T on the plus strand (C>A on the coding strand, the complement: HDAC4 is on the minus strand). VCF-style: chr2-239053517-G-T. GRCh37 (hg19) VCF-style: chr2-239975213-G-T.
Other names: c.3173C>A, p.Ala1058Asp (NM_001378415.1); c.3158C>A, p.Ala1053Asp (NM_001378416.1, NM_001378417.1, NM_006037.4); short protein forms A1053D, A1058D.
Identifiers: ClinVar variation 3390499 (VCV003390499.2).

ClinVar aggregate classification (germline): Likely pathogenic (1 of 4 stars; one submission).

Submission:

GeneDx
Classification: Likely pathogenic. Last evaluated: 2026-06-23. Review status: criteria provided, single submitter. Criteria: GeneDx Variant Classification Process June 2021. Collection method: clinical testing. Allele origin: germline.
Comment: Not observed at significant frequency in large population cohorts (gnomAD); In silico analysis supports that this missense variant has a deleterious effect on protein structure/function; Has not been previously published as pathogenic or benign to our knowledge